The following is an entry in ClinVar:

ClinVar aggregate classification (germline): Benign/Likely benign. Review status: criteria provided, multiple submitters, no conflicts (2 of 4 stars). 4 submissions from 4 submitters: Benign (1); Likely benign (3). Last evaluated 2026-05-21.

Conditions:
Hereditary cancer-predisposing syndrome. Also called: Hereditary neoplastic syndrome; Neoplastic Syndromes, Hereditary; Hereditary Cancer Syndrome; Tumor predisposition. Identifiers: Orphanet 140162, MedGen C0027672, MeSH D009386, MONDO:0015356.
Neurofibromatosis, type 1 (NF1). Also called: NEUROFIBROMATOSIS, TYPE I, SOMATIC; Neurofibromatosis, type I; VON RECKLINGHAUSEN DISEASE; Peripheral type neurofibromatosis. Identifiers: Orphanet 636, MedGen C0027831, MONDO:0018975, OMIM 162200. Disease mechanism: loss of function.

gnomAD v4.1: 1 of 1,612,916 alleles (0.000062%); highest among the groups gnomAD compares: Non-Finnish European, 0.000085%; no homozygotes.

Submissions (4):

Myriad Genetics, Inc.
Classification: Benign for Neurofibromatosis, type 1. Last evaluated: 2026-05-21. Review status: criteria provided, single submitter. Criteria: Myriad Autosomal Dominant, Autosomal Recessive and X-Linked Classification Criteria (2023). Collection method: clinical testing. Allele origin: unknown.
Comment: This variant is considered benign. This variant is a silent/synonymous amino acid change and it is not expected to impact splicing.

Labcorp Genetics (formerly Invitae), Labcorp
Classification: Likely benign for Neurofibromatosis, type 1. Last evaluated: 2024-03-28. Review status: criteria provided, single submitter. Criteria: Invitae Variant Classification Sherloc (09022015). Collection method: clinical testing. Allele origin: germline.

Genome-Nilou Lab
Classification: Likely benign for Neurofibromatosis, type 1. Last evaluated: 2022-03-15. Review status: criteria provided, single submitter. Criteria: ACMG Guidelines, 2015. Collection method: clinical testing. Allele origin: germline. Affected: no.

Ambry Genetics
Classification: Likely benign for Hereditary cancer-predisposing syndrome. Last evaluated: 2015-06-30. Review status: criteria provided, single submitter. Criteria: Ambry Autosomal Dominant and X-Linked criteria (10/2015). Collection method: clinical testing. Allele origin: germline. Observed: 1 variant allele.

NM_001042492.3(NF1):c.7311C>T (p.Ala2437=)

Gene: NF1 (neurofibromin 1; plus strand). Cytogenetic location: 17q11.2.
Variant type: single nucleotide variant.
Coding change: c.7311C>T on transcript NM_001042492.3 (MANE Select); coding-DNA position 7311, C replaced by T.
Protein change: p.Ala2437=; no amino-acid change (alanine 2437 retained).
Molecular consequence: synonymous variant.
Genome position (GRCh38, 1-based): chr17:31,349,241, C>T. VCF-style: chr17-31349241-C-T. GRCh37 (hg19) VCF-style: chr17-29676259-C-T.
Other names: c.7248C>T, p.Ala2416= (NM_000267.4).
Identifiers: ClinVar variation 232642 (VCV000232642.12), dbSNP rs876659893, ClinGen allele CA10580404.